The following is an entry in ClinVar:

ClinVar aggregate classification (germline): Uncertain significance (1 of 4 stars; one submission).

Conditions:
Inborn genetic diseases. Identifiers: MedGen C0950123, MeSH D030342.

gnomAD v4.1: 2 of 1,554,286 alleles (0.00013%); highest among the groups gnomAD compares: East Asian, 0.0024%; no homozygotes.

Submission:

Ambry Genetics
Classification: Uncertain significance for Inborn genetic diseases. Last evaluated: 2026-06-29. Review status: criteria provided, single submitter. Criteria: Ambry Variant Classification Scheme 2023. Collection method: clinical testing. Allele origin: germline.
Comment: The c.2213T>C (p.M738T) alteration is located in exon 18 (coding exon 18) of the NAA15 gene. This alteration results from a T to C substitution at nucleotide position 2213, causing the methionine (M) at amino acid position 738 to be replaced by a threonine (T). Based on data from gnomAD, the C allele has an overall frequency of <0.001% (1/222082) total alleles studied. The highest observed frequency was 0.007% (1/14858) of East Asian alleles. Based on insufficient or conflicting evidence, the clinical significance of this alteration remains unclear.

NM_057175.5(NAA15):c.2213T>C (p.Met738Thr)

Gene: NAA15 (N-alpha-acetyltransferase 15, NatA auxiliary subunit; plus strand). Cytogenetic location: 4q31.1.
Variant type: single nucleotide variant.
Coding change: c.2213T>C on transcript NM_057175.5 (MANE Select); coding-DNA position 2213, T replaced by C.
Protein change: p.Met738Thr; replaces methionine 738 with threonine.
Molecular consequence: missense variant.
Genome position (GRCh38, 1-based): chr4:139,384,889, T>C. VCF-style: chr4-139384889-T-C. GRCh37 (hg19) VCF-style: chr4-140306043-T-C.
Other names: c.2210T>C, p.Met737Thr (NM_001410842.1); short protein forms M737T, M738T.
Identifiers: ClinVar variation 5025329 (VCV005025329.1).